The following is an entry in ClinVar:

NM_001039213.4(CEACAM16):c.1018G>A (p.Gly340Ser)

Genes: CEACAM16 (CEA cell adhesion molecule 16, tectorial membrane component; plus strand), CEACAM16-AS1 (CEACAM16, CEACAM19 and PVR antisense RNA 1; minus strand). Cytogenetic location: 19q13.32.
Variant type: single nucleotide variant.
Coding change: c.1018G>A on transcript NM_001039213.4 (MANE Select); coding-DNA position 1018, G replaced by A.
Protein change: p.Gly340Ser; replaces glycine 340 with serine.
Molecular consequence: missense variant.
Genome position (GRCh38, 1-based): chr19:44,707,938, G>A. VCF-style: chr19-44707938-G-A. GRCh37 (hg19) VCF-style: chr19-45211210-G-A.
Other names: p.Gly340Ser; short protein forms G340S.
Identifiers: ClinVar variation 2683506 (VCV002683506.1), dbSNP rs1470923918, ClinGen allele CA406293146.

ClinVar aggregate classification (germline): Uncertain significance (1 of 4 stars; one submission).

Allele frequency attached by ClinVar (database versions not stated): TOPMed below 0.00001; gnomAD exomes 0.00001.
gnomAD v4.1: 17 of 1,599,962 alleles (0.0011%); highest among the groups gnomAD compares: Non-Finnish European, 0.0013%; no homozygotes.

Submission:

Mayo Clinic Laboratories, Mayo Clinic
Classification: Uncertain significance. Last evaluated: 2023-03-17. Review status: criteria provided, single submitter. Criteria: ACMG Guidelines, 2015. Collection method: clinical testing. Allele origin: germline. Observed: 1 variant allele.
Comment: PM2